The following is an entry in ClinVar:

ClinVar aggregate classification (germline): Uncertain significance (1 of 4 stars; one submission).

Conditions:
Charcot-Marie-Tooth disease, type I (CMT1). Also called: Charcot-Marie-Tooth disease type 1; Charcot-Marie-Tooth, Type 1. Identifiers: Orphanet 65753, MedGen C0751036, MONDO:0019011.

Submission:

Labcorp Genetics (formerly Invitae), Labcorp
Classification: Uncertain significance for Charcot-Marie-Tooth disease, type I. Last evaluated: 2025-09-09. Review status: criteria provided, single submitter. Criteria: Invitae Variant Classification Sherloc (09022015). Collection method: clinical testing. Allele origin: germline.
Comment: This sequence change replaces alanine, which is neutral and non-polar, with valine, which is neutral and non-polar, at codon 209 of the MPZ protein (p.Ala209Val). This variant is present in population databases (no rsID available, gnomAD no frequency). This variant has not been reported in the literature in individuals affected with MPZ-related conditions. An algorithm developed to predict the effect of missense changes on protein structure and function (PolyPhen-2) suggests that this variant is likely to be tolerated. In summary, the available evidence is currently insufficient to determine the role of this variant in disease. Therefore, it has been classified as a Variant of Uncertain Significance.

NM_000530.8(MPZ):c.626C>T (p.Ala209Val)

Gene: MPZ (myelin protein zero; minus strand). Cytogenetic location: 1q23.3.
Variant type: single nucleotide variant.
Coding change: c.626C>T on transcript NM_000530.8 (MANE Select); coding-DNA position 626, C replaced by T.
Protein change: p.Ala209Val; replaces alanine 209 with valine.
Molecular consequence: missense variant.
Genome position (GRCh38, 1-based): chr1:161,306,127, G>A on the plus strand (C>T on the coding strand, the complement: MPZ is on the minus strand). VCF-style: chr1-161306127-G-A. GRCh37 (hg19) VCF-style: chr1-161275917-G-A.
Other names: c.626C>T, p.Ala209Val (NM_001315491.2); short protein forms A209V.
Identifiers: ClinVar variation 4760105 (VCV004760105.1).